The following is an entry in ClinVar:

NM_020207.7(ERCC6L2):c.742C>G (p.Leu248Val)

Gene: ERCC6L2 (ERCC excision repair 6 like 2; plus strand). Cytogenetic location: 9q22.32.
Variant type: single nucleotide variant.
Coding change: c.742C>G on transcript NM_020207.7 (MANE Select); coding-DNA position 742, C replaced by G.
Protein change: p.Leu248Val; replaces leucine 248 with valine.
Molecular consequence: missense variant. On other transcripts: non-coding transcript variant (1).
Genome position (GRCh38, 1-based): chr9:95,907,225, C>G. VCF-style: chr9-95907225-C-G. GRCh37 (hg19) VCF-style: chr9-98669507-C-G.
Other names: c.742C>G, p.Leu248Val (NM_001010895.4, NM_001375291.1, NM_001375292.1 and 2 more transcripts); short protein forms L248V.
Identifiers: ClinVar variation 4019256 (VCV004019256.1).

ClinVar aggregate classification (germline): Uncertain significance (1 of 4 stars; one submission).

Conditions:
Inborn genetic diseases. Identifiers: MedGen C0950123, MeSH D030342.

gnomAD v4.1: 6 of 1,612,752 alleles (0.00037%); highest among the groups gnomAD compares: Non-Finnish European, 0.00051%; no homozygotes.

Submission:

Ambry Genetics
Classification: Uncertain significance for Inborn genetic diseases. Last evaluated: 2025-03-22. Review status: criteria provided, single submitter. Criteria: Ambry Variant Classification Scheme 2023. Collection method: clinical testing. Allele origin: germline.
Comment: The p.L248V variant (also known as c.742C>G), located in coding exon 4 of the ERCC6L2 gene, results from a C to G substitution at nucleotide position 742. The leucine at codon 248 is replaced by valine, an amino acid with highly similar properties. This amino acid position is conserved. In addition, the in silico prediction for this alteration is inconclusive. Based on the available evidence, the clinical significance of this variant remains unclear.